The following is an entry in ClinVar:

ClinVar aggregate classification (germline): Uncertain significance. Review status: criteria provided, multiple submitters, no conflicts (2 of 4 stars). 2 submissions from 2 submitters: Uncertain significance (2). Last evaluated 2025-08-06.

Conditions:
Inborn genetic diseases. Identifiers: MedGen C0950123, MeSH D030342.

gnomAD v4.1: 97 of 1,614,070 alleles (0.006%); highest among the groups gnomAD compares: Non-Finnish European, 0.0075%; no homozygotes.

Submissions (2):

Ambry Genetics
Classification: Uncertain significance for Inborn genetic diseases. Last evaluated: 2025-08-06. Review status: criteria provided, single submitter. Criteria: Ambry Variant Classification Scheme 2023. Collection method: clinical testing. Allele origin: germline.

Labcorp Genetics (formerly Invitae), Labcorp
Classification: Uncertain significance. Last evaluated: 2021-06-20. Review status: criteria provided, single submitter. Criteria: Invitae Variant Classification Sherloc (09022015). Collection method: clinical testing. Allele origin: germline.
Comment: This variant has not been reported in the literature in individuals with SLC30A10-related conditions. In summary, the available evidence is currently insufficient to determine the role of this variant in disease. Therefore, it has been classified as a Variant of Uncertain Significance. Algorithms developed to predict the effect of missense changes on protein structure and function output the following: SIFT: "Tolerated"; PolyPhen-2: "Benign"; Align-GVGD: "Class C0". The glycine amino acid residue is found in multiple mammalian species, suggesting that this missense change does not adversely affect protein function. These predictions have not been confirmed by published functional studies and their clinical significance is uncertain. This variant is present in population databases (rs774446472, ExAC 0.01%). This sequence change replaces aspartic acid with glycine at codon 476 of the SLC30A10 protein (p.Asp476Gly). The aspartic acid residue is weakly conserved and there is a moderate physicochemical difference between aspartic acid and glycine.

NM_018713.3(SLC30A10):c.1427A>G (p.Asp476Gly)

Gene: SLC30A10 (solute carrier family 30 member 10; minus strand). Cytogenetic location: 1q41.
Variant type: single nucleotide variant.
Coding change: c.1427A>G on transcript NM_018713.3 (MANE Select); coding-DNA position 1427, A replaced by G.
Protein change: p.Asp476Gly; replaces aspartic acid 476 with glycine.
Molecular consequence: missense variant. On other transcripts: non-coding transcript variant (2).
Genome position (GRCh38, 1-based): chr1:219,915,480, T>C on the plus strand (A>G on the coding strand, the complement: SLC30A10 is on the minus strand). VCF-style: chr1-219915480-T-C. GRCh37 (hg19) VCF-style: chr1-220088822-T-C.
Other names: c.1427A>G (NM_018713.2); c.1238A>G, p.Asp413Gly (NM_001376929.1); short protein forms D476G, D413G.
Identifiers: ClinVar variation 1435869 (VCV001435869.9), dbSNP rs774446472, ClinGen allele CA1399108.